The following is an entry in ClinVar:

ClinVar aggregate classification (germline): Likely benign. Review status: criteria provided, multiple submitters, no conflicts (2 of 4 stars). 4 submissions from 4 submitters: Likely benign (4). Last evaluated 2025-12-21.

Conditions:
Cardiovascular phenotype. Identifiers: MedGen CN230736.
Glycogen storage disease, type II (IOPD). Also called: GLYCOGENOSIS, GENERALIZED, CARDIAC FORM; GSD II; Glycogen storage disease type 2; Acid maltase deficiency disease; Aglucosidase alfa; Deficiency of alpha-glucosidase. Identifiers: Orphanet 365, MedGen C0017921, MONDO:0009290, OMIM 232300.

Allele frequency attached by ClinVar (database versions not stated): gnomAD 0.00005; gnomAD exomes 0.00005; TOPMed 0.00005; ExAC 0.00006.

Submissions (4):

Labcorp Genetics (formerly Invitae), Labcorp
Classification: Likely benign for Glycogen storage disease, type II. Last evaluated: 2025-12-21. Review status: criteria provided, single submitter. Criteria: Invitae Variant Classification Sherloc (09022015). Collection method: clinical testing. Allele origin: germline.

Blueprint Genetics
Classification: Likely benign. Last evaluated: 2022-12-26. Review status: criteria provided, single submitter. Criteria: ACMG Guidelines, 2015. Collection method: clinical testing. Allele origin: germline.

Ambry Genetics
Classification: Likely benign for Cardiovascular phenotype. Last evaluated: 2022-06-06. Review status: criteria provided, single submitter. Criteria: Ambry Variant Classification Scheme 2023. Collection method: clinical testing. Allele origin: germline.

GeneDx
Classification: Likely benign. Last evaluated: 2016-07-29. Review status: criteria provided, single submitter. Criteria: GeneDx Variant Classification (06012015). Collection method: clinical testing. Allele origin: germline. Affected: yes.
Comment: This variant is considered likely benign or benign based on one or more of the following criteria: it is a conservative change, it occurs at a poorly conserved position in the protein, it is predicted to be benign by multiple in silico algorithms, and/or has population frequency not consistent with disease.

NM_000152.5(GAA):c.1932C>T (p.Ala644=)

Gene: GAA (alpha glucosidase; plus strand). Cytogenetic location: 17q25.3.
Variant type: single nucleotide variant.
Coding change: c.1932C>T on transcript NM_000152.5 (MANE Select); coding-DNA position 1932, C replaced by T.
Protein change: p.Ala644=; no amino-acid change (alanine 644 retained).
Molecular consequence: synonymous variant.
Genome position (GRCh38, 1-based): chr17:80,112,919, C>T. VCF-style: chr17-80112919-C-T. GRCh37 (hg19) VCF-style: chr17-78086718-C-T.
Other names: c.1932C>T (LRG_673t1); c.1932C>T, p.Ala644= (NM_001079803.3, NM_001079804.3).
Identifiers: ClinVar variation 387757 (VCV000387757.15), dbSNP rs746194098, ClinGen allele CA8815551.